The following is an entry in ClinVar:

ClinVar aggregate classification (germline): Likely benign. Review status: criteria provided, single submitter (1 of 4 stars). 2 submissions from 2 submitters: Likely benign (1). 1 of the submissions does not count toward it. Last evaluated 2018-08-05.

Conditions:
FGF5-related disorder. Also called: FGF5-related condition.

Allele frequency attached by ClinVar (database versions not stated): 1000 Genomes Project 0.00020; 1000 Genomes Project 30x 0.00062; TOPMed 0.00136; gnomAD 0.00147 and 0.00158; ESP Exome Variant Server 0.00161.

Submissions (2):

Labcorp Genetics (formerly Invitae), Labcorp
Classification: Likely benign. Last evaluated: 2018-08-05. Review status: criteria provided, single submitter. Criteria: Invitae Variant Classification Sherloc (09022015). Collection method: clinical testing. Allele origin: germline.

PreventionGenetics, part of Exact Sciences
Classification: Likely benign for FGF5-related condition. Last evaluated: 2022-02-26. Review status: no assertion criteria provided. Collection method: clinical testing. Allele origin: germline. Not counted in ClinVar's aggregate classification.
Comment: This variant is classified as likely benign based on ACMG/AMP sequence variant interpretation guidelines (Richards et al. 2015 PMID: 25741868, with internal and published modifications).

NM_004464.4(FGF5):c.243G>T (p.Trp81Cys)

Gene: FGF5 (fibroblast growth factor 5; plus strand). Cytogenetic location: 4q21.21.
Variant type: single nucleotide variant.
Coding change: c.243G>T on transcript NM_004464.4 (MANE Select); coding-DNA position 243, G replaced by T.
Protein change: p.Trp81Cys; replaces tryptophan 81 with cysteine.
Molecular consequence: missense variant.
Genome position (GRCh38, 1-based): chr4:80,267,067, G>T. VCF-style: chr4-80267067-G-T. GRCh37 (hg19) VCF-style: chr4-81188221-G-T.
Other names: c.243G>T, p.Trp81Cys (NM_033143.2); short protein forms W81C.
Identifiers: ClinVar variation 786515 (VCV000786515.5), dbSNP rs112475347, ClinGen allele CA2982586.